The following is an entry in ClinVar:

ClinVar aggregate classification (germline): Pathogenic (1 of 4 stars; one submission).

Conditions:
3-hydroxy-3-methylglutaryl-CoA synthase deficiency (HMGCS2D). Also called: MITOCHONDRIAL HMG-CoA SYNTHASE DEFICIENCY; HMG-CoA synthase-2 deficiency; HMGCS2 DEFICIENCY. Identifiers: Orphanet 35701, MedGen C2751532, MONDO:0011614, OMIM 605911.

Submission:

Labcorp Genetics (formerly Invitae), Labcorp
Classification: Pathogenic for 3-hydroxy-3-methylglutaryl-CoA synthase deficiency. Last evaluated: 2024-01-22. Review status: criteria provided, single submitter. Criteria: Invitae Variant Classification Sherloc (09022015). Collection method: clinical testing. Allele origin: germline.
Comment: This variant is a gross deletion of the genomic region encompassing exon(s) 1 of the HMGCS2 gene, which includes the initiator codon. This deletion extends beyond the assayed region for this gene and therefore may encompass additional genes. It is expected to result in an absent or disrupted protein product. Loss-of-function variants in HMGCS2 are known to be pathogenic (PMID: 20346956, 23751782, 25511235). A similar copy number variant has been observed in individual(s) with clinical features of HMG-CoA synthase-2 deficiency (Invitae). In at least one individual the data is consistent with being in trans (on the opposite chromosome) from a pathogenic variant. For these reasons, this variant has been classified as Pathogenic.

Literature cited by the submitters: PubMed 20346956; PubMed 23751782; PubMed 25511235.

NC_000001.10:g.(?_120311344)_(120311467_?)del

Gene: HMGCS2 (3-hydroxy-3-methylglutaryl-CoA synthase 2; minus strand). Cytogenetic location: 1p12.
Variant type: Deletion.
Identifiers: ClinVar variation 1458530 (VCV001458530.7).